The following is an entry in ClinVar:

NM_015338.6(ASXL1):c.1292A>G (p.Glu431Gly)

Gene: ASXL1 (ASXL transcriptional regulator 1; plus strand). Cytogenetic location: 20q11.21.
Variant type: single nucleotide variant.
Coding change: c.1292A>G on transcript NM_015338.6 (MANE Select); coding-DNA position 1292, A replaced by G.
Protein change: p.Glu431Gly; replaces glutamic acid 431 with glycine.
Molecular consequence: missense variant.
Genome position (GRCh38, 1-based): chr20:32,433,490, A>G. VCF-style: chr20-32433490-A-G. GRCh37 (hg19) VCF-style: chr20-31021293-A-G.
Other names: c.1109A>G, p.Glu370Gly (NM_001363734.1); short protein forms E370G, E431G.
Identifiers: ClinVar variation 3439978 (VCV003439978.1).

ClinVar aggregate classification (germline): Uncertain significance (1 of 4 stars; one submission).

Conditions:
Inborn genetic diseases. Identifiers: MedGen C0950123, MeSH D030342.

Submission:

Ambry Genetics
Classification: Uncertain significance for Inborn genetic diseases. Last evaluated: 2024-12-10. Review status: criteria provided, single submitter. Criteria: Ambry Variant Classification Scheme 2023. Collection method: clinical testing. Allele origin: germline.
Comment: The p.E431G variant (also known as c.1292A>G), located in coding exon 12 of the ASXL1 gene, results from an A to G substitution at nucleotide position 1292. The glutamic acid at codon 431 is replaced by glycine, an amino acid with similar properties. This amino acid position is conserved. In addition, this alteration is predicted to be tolerated by in silico analysis. Based on the available evidence, the clinical significance of this variant remains unclear.